The following is an entry in ClinVar:

NM_133433.4(NIPBL):c.6033A>T (p.Leu2011Phe)

Gene: NIPBL (NIPBL cohesin loading factor; plus strand). Cytogenetic location: 5p13.2.
Variant type: single nucleotide variant.
Coding change: c.6033A>T on transcript NM_133433.4 (MANE Select); coding-DNA position 6033, A replaced by T.
Protein change: p.Leu2011Phe; replaces leucine 2011 with phenylalanine.
Molecular consequence: missense variant.
Genome position (GRCh38, 1-based): chr5:37,038,663, A>T. VCF-style: chr5-37038663-A-T. GRCh37 (hg19) VCF-style: chr5-37038765-A-T.
Other names: c.6033A>T, p.Leu2011Phe (NM_015384.5); short protein forms L2011F.
Identifiers: ClinVar variation 543046 (VCV000543046.8), dbSNP rs1554030218, ClinGen allele CA359498241.

ClinVar aggregate classification (germline): Uncertain significance (1 of 4 stars; one submission).

Conditions:
Cornelia de Lange syndrome 1 (CDLS1). Also called: TYPUS DEGENERATIVUS AMSTELODAMENSIS; Brachmann de Lange syndrome; NIPBL-Related Cornelia de Lange Syndrome. Identifiers: Orphanet 199, MedGen C4551851, MONDO:0007387, OMIM 122470.

Allele frequency attached by ClinVar (database versions not stated): TOPMed below 0.00001.

Submission:

Labcorp Genetics (formerly Invitae), Labcorp
Classification: Uncertain significance for Cornelia de Lange syndrome 1. Last evaluated: 2017-10-18. Review status: criteria provided, single submitter. Criteria: Invitae Variant Classification Sherloc (09022015). Collection method: clinical testing. Allele origin: germline.
Comment: This sequence change replaces leucine with phenylalanine at codon 2011 of the NIPBL protein (p.Leu2011Phe). The leucine residue is moderately conserved and there is a small physicochemical difference between leucine and phenylalanine. This variant is not present in population databases (ExAC no frequency). This variant has not been reported in the literature in individuals with NIPBL-related disease. Algorithms developed to predict the effect of missense changes on protein structure and function do not agree on the potential impact of this missense change (SIFT: "Deleterious"; PolyPhen-2: "Probably Damaging"; Align-GVGD: "Class C0"). In summary, the available evidence is currently insufficient to determine the role of this variant in disease. Therefore, it has been classified as a Variant of Uncertain Significance.